The following is an entry in ClinVar:

ClinVar aggregate classification (germline): Likely benign (1 of 4 stars; one submission).

Allele frequency attached by ClinVar (database versions not stated): 1000 Genomes Project 0.00479; 1000 Genomes Project 30x 0.00515; TOPMed 0.00828; gnomAD 0.00885 and 0.00901.

Submission:

GeneDx
Classification: Likely benign. Last evaluated: 2018-06-14. Review status: criteria provided, single submitter. Criteria: GeneDx Variant Classification (06012015). Collection method: clinical testing. Allele origin: germline. Affected: yes.
Comment: This variant is considered likely benign or benign based on one or more of the following criteria: it is a conservative change, it occurs at a poorly conserved position in the protein, it is predicted to be benign by multiple in silico algorithms, and/or has population frequency not consistent with disease.

NM_000431.4(MVK):c.371+313_371+314insCC

Gene: MVK (mevalonate kinase; plus strand). Cytogenetic location: 12q24.11.
Variant type: Insertion.
Coding change: c.371+313_371+314insCC on transcript NM_000431.4 (MANE Select); bases 313 to 314 of the intron after coding-DNA position 371, CC inserted.
Molecular consequence: intron variant.
Genome position: GRCh38 VCF-style: chr12-109580259-T-TCC. GRCh37 (hg19) VCF-style: chr12-110018064-T-TCC.
Other names: c.371+313_371+314insCC (NM_001301182.2, NM_001114185.3).
Identifiers: ClinVar variation 680656 (VCV000680656.1), dbSNP rs72647002, ClinGen allele CA243453108.